The following is an entry in ClinVar:

NM_032119.4(ADGRV1):c.5851G>A (p.Val1951Ile)

Gene: ADGRV1 (adhesion G protein-coupled receptor V1; plus strand). Cytogenetic location: 5q14.3.
Variant type: single nucleotide variant.
Coding change: c.5851G>A on transcript NM_032119.4 (MANE Select); coding-DNA position 5851, G replaced by A.
Protein change: p.Val1951Ile; replaces valine 1951 with isoleucine.
Molecular consequence: missense variant. On other transcripts: non-coding transcript variant (1).
Genome position (GRCh38, 1-based): chr5:90,683,772, G>A. VCF-style: chr5-90683772-G-A. GRCh37 (hg19) VCF-style: chr5-89979589-G-A.
Other names: short protein forms V1951I.
Identifiers: ClinVar variation 46343 (VCV000046343.34), dbSNP rs4916684, ClinGen allele CA138157.

ClinVar aggregate classification (germline): Benign. Review status: criteria provided, multiple submitters, no conflicts (2 of 4 stars). 13 submissions from 13 submitters: Benign (8). 5 of the submissions do not count toward it. Last evaluated 2026-02-04.

Conditions:
Usher syndrome type 2C. Also called: Usher syndrome, type 2B; USHER SYNDROME, TYPE IIC. Identifiers: Orphanet 231178, Orphanet 886, MedGen C2931213, MONDO:0011558, OMIM 605472.

Allele frequency attached by ClinVar (database versions not stated): ExAC 0.70777; gnomAD exomes 0.70958 and 0.66049; ESP Exome Variant Server 0.72752; gnomAD 0.73593 and 0.73682; TOPMed 0.75459; 1000 Genomes Project 30x 0.79966; 1000 Genomes Project 0.80371.
gnomAD v4.1: 1,078,713 of 1,613,458 alleles (67%); highest among the groups gnomAD compares: African/African-American, 90%; 364,981 homozygotes.

Submissions (13):

Labcorp Genetics (formerly Invitae), Labcorp
Classification: Benign. Last evaluated: 2026-02-04. Review status: criteria provided, single submitter. Criteria: Invitae Variant Classification Sherloc (09022015). Collection method: clinical testing. Allele origin: germline.

Genome-Nilou Lab
Classification: Benign for Usher syndrome type 2C. Last evaluated: 2021-08-10. Review status: criteria provided, single submitter. Criteria: ACMG Guidelines, 2015. Collection method: clinical testing. Allele origin: germline. Affected: no.

Mayo Clinic Laboratories, Mayo Clinic
Classification: Benign. Last evaluated: 2020-10-02. Review status: criteria provided, single submitter. Criteria: ACMG Guidelines, 2015. Collection method: clinical testing. Allele origin: germline. Observed: 144 variant alleles.

Illumina Laboratory Services, Illumina
Classification: Benign for Usher syndrome type 2C. Last evaluated: 2018-01-13. Review status: criteria provided, single submitter. Criteria: ICSL Variant Classification Criteria 13 December 2019. Collection method: clinical testing. Allele origin: germline.
Comment: This variant was observed in the ICSL laboratory as part of a predisposition screen in an ostensibly healthy population. It had not been previously curated by ICSL or reported in the Human Gene Mutation Database (HGMD: prior to June 1st, 2018), and was therefore a candidate for classification through an automated scoring system. Utilizing variant allele frequency, disease prevalence and penetrance estimates, and inheritance mode, an automated score was calculated to assess if this variant is too frequent to cause the disease. Based on the score and internal cut-off values, a variant classified as benign is not then subjected to further curation. The score for this variant resulted in a classification of benign for this disease.

GeneDx
Classification: Benign. Last evaluated: 2015-03-03. Review status: criteria provided, single submitter. Criteria: GeneDx Variant Classification Process June 2021. Collection method: clinical testing. Allele origin: germline. Affected: yes.

Eurofins Ntd Llc (ga)
Classification: Benign. Last evaluated: 2014-06-26. Review status: criteria provided, single submitter. Criteria: EGL Classification Definitions 2015. Collection method: clinical testing. Allele origin: germline. Observed: 6 variant alleles, 1 heterozygote, 5 homozygotes.

Laboratory for Molecular Medicine, Mass General Brigham Personalized Medicine
Classification: Benign. Last evaluated: 2010-03-23. Review status: criteria provided, single submitter. Criteria: LMM Criteria. Collection method: clinical testing. Allele origin: germline. Observed: 1,644 variant alleles.

PreventionGenetics, part of Exact Sciences
Classification: Benign. Review status: criteria provided, single submitter. Criteria: ACMG Guidelines, 2015. Collection method: clinical testing. Allele origin: germline.

Clinical Genetics DNA and cytogenetics Diagnostics Lab, Erasmus MC, Erasmus Medical Center
Classification: Benign. Review status: no assertion criteria provided. Collection method: clinical testing. Allele origin: germline. Affected: yes. Study: VKGL Data-share Consensus. Not counted in ClinVar's aggregate classification.

Diagnostic Laboratory, Department of Genetics, University Medical Center Groningen
Classification: Benign. Review status: no assertion criteria provided. Collection method: clinical testing. Allele origin: germline. Affected: yes. Study: VKGL Data-share Consensus. Not counted in ClinVar's aggregate classification.

Genetic Services Laboratory, University of Chicago
Classification: Likely benign. Review status: no assertion criteria provided. Collection method: clinical testing. Allele origin: germline. Inheritance: Autosomal dominant inheritance. Not counted in ClinVar's aggregate classification.
Comment: Likely benign based on allele frequency in 1000 Genomes Project or ESP global frequency and its presence in a patient with a rare or unrelated disease phenotype. NOT Sanger confirmed

Genome Diagnostics Laboratory, University Medical Center Utrecht
Classification: Benign. Review status: no assertion criteria provided. Collection method: clinical testing. Allele origin: germline. Affected: yes. Study: VKGL Data-share Consensus. Not counted in ClinVar's aggregate classification.

Joint Genome Diagnostic Labs from Nijmegen and Maastricht, Radboudumc and MUMC+
Classification: Benign. Review status: no assertion criteria provided. Collection method: clinical testing. Allele origin: germline. Affected: yes. Study: VKGL Data-share Consensus. Not counted in ClinVar's aggregate classification.